The following is an entry in ClinVar:

NM_000535.7(PMS2):c.320_321insT (p.Glu109fs)

Gene: PMS2 (PMS1 homolog 2, mismatch repair system component; minus strand). Cytogenetic location: 7p22.1.
Variant type: Insertion.
Coding change: c.320_321insT on transcript NM_000535.7 (MANE Select); coding-DNA positions 320 to 321, T inserted.
Protein change: p.Glu109fs; shifts the reading frame from glutamic acid 109.
Molecular consequence: frameshift variant. On other transcripts: 5 prime UTR variant (25), non-coding transcript variant (1), intron variant (21).
Genome position: GRCh38 VCF-style: chr7-6003722-C-CA. GRCh37 (hg19) VCF-style: chr7-6043353-C-CA.
Other names: c.-86_-85insT (NM_001018040.1, NM_001322003.2, NM_001322004.2 and 14 more transcripts); c.320_321insT, p.Glu109fs (NM_001322006.2, NM_001322014.2, NM_001406869.1 and 8 more transcripts); c.-565_-564insT (NM_001322011.2, NM_001322012.2); c.-165_-164insT (NM_001322015.2, NM_001406875.1, NM_001406877.1 and 3 more transcripts); c.506_507insT, p.Glu171fs (NM_001406866.1); c.344_345insT, p.Glu117fs (NM_001406868.1); c.-76_-75insT (NM_001406890.1); c.35+249_35+250insT (NM_001322008.2, NM_001406902.1, NM_001406883.1 and 4 more transcripts); and 5 more; short protein forms E109fs, E171fs, E117fs.
Identifiers: ClinVar variation 2451606 (VCV002451606.5), dbSNP rs2536496345, ClinGen allele CA2580077017.
Genomic context (GRCh38, chr7:6,003,722, plus strand): 5'-AAGTGAGTGGATAAAAATATTGTATCACCTCAGTGCACAAAGTGAGCTCAGAGCTTCCCC[C>CA]CGAAAGCCAAAAGTTTCAACCTGAGTTAGGTCGGCAAACTCTTGAATCTTAGATGTGTGA-3'

ClinVar aggregate classification (germline): Pathogenic. Review status: criteria provided, multiple submitters, no conflicts (2 of 4 stars). 2 submissions from 2 submitters: Pathogenic (2). Last evaluated 2023-05-20.

Conditions:
Hereditary cancer-predisposing syndrome. Also called: Neoplastic Syndromes, Hereditary; Tumor predisposition; Hereditary neoplastic syndrome; Hereditary Cancer Syndrome. Identifiers: Orphanet 140162, MedGen C0027672, MeSH D009386, MONDO:0015356.
Hereditary nonpolyposis colorectal neoplasms. Identifiers: MedGen C0009405, MeSH D003123.

Submissions (2):

Labcorp Genetics (formerly Invitae), Labcorp
Classification: Pathogenic for Hereditary nonpolyposis colorectal neoplasms. Last evaluated: 2023-05-20. Review status: criteria provided, single submitter. Criteria: Invitae Variant Classification Sherloc (09022015). Collection method: clinical testing. Allele origin: germline.
Comment: For these reasons, this variant has been classified as Pathogenic. ClinVar contains an entry for this variant (Variation ID: 2451606). This premature translational stop signal has been observed in individual(s) with colorectal cancer and/or constitutional mismatch repair deficiency (PMID: 20205264, 21261604). It has also been observed to segregate with disease in related individuals. This variant is not present in population databases (gnomAD no frequency). This sequence change creates a premature translational stop signal (p.Glu109Glyfs*30) in the PMS2 gene. It is expected to result in an absent or disrupted protein product. Loss-of-function variants in PMS2 are known to be pathogenic (PMID: 21376568, 24362816).

Ambry Genetics
Classification: Pathogenic for Hereditary cancer-predisposing syndrome. Last evaluated: 2023-01-26. Review status: criteria provided, single submitter. Criteria: Ambry Variant Classification Scheme 2023. Collection method: clinical testing. Allele origin: germline.
Comment: The c.320_321insT pathogenic mutation, located in coding exon 4 of the PMS2 gene, results from an insertion of one nucleotide at position 320, causing a translational frameshift with a predicted alternate stop codon (p.E109Gfs*30). This variant is considered to be rare based on population cohorts in the Genome Aggregation Database (gnomAD). This alteration is expected to result in loss of function by premature protein truncation or nonsense-mediated mRNA decay. As such, this alteration is interpreted as a disease-causing mutation.

Literature cited by the submitters: PubMed 20205264 (cited by Labcorp Genetics (formerly Invitae), Labcorp); PubMed 21261604 (cited by Labcorp Genetics (formerly Invitae), Labcorp); PubMed 21376568 (cited by Labcorp Genetics (formerly Invitae), Labcorp); PubMed 24362816 (cited by Labcorp Genetics (formerly Invitae), Labcorp).